The following is an entry in ClinVar:

ClinVar aggregate classification (germline): Uncertain significance (1 of 4 stars; one submission).

Submission:

Labcorp Genetics (formerly Invitae), Labcorp
Classification: Uncertain significance. Last evaluated: 2024-02-24. Review status: criteria provided, single submitter. Criteria: Invitae Variant Classification Sherloc (09022015). Collection method: clinical testing. Allele origin: germline.
Comment: This sequence change falls in intron 4 of the CUL7 gene. It does not directly change the encoded amino acid sequence of the CUL7 protein. It affects a nucleotide within the consensus splice site. This variant is not present in population databases (gnomAD no frequency). This variant has not been reported in the literature in individuals affected with CUL7-related conditions. ClinVar contains an entry for this variant (Variation ID: 1368761). Variants that disrupt the consensus splice site are a relatively common cause of aberrant splicing (PMID: 17576681, 9536098). Algorithms developed to predict the effect of sequence changes on RNA splicing suggest that this variant is not likely to affect RNA splicing. In summary, the available evidence is currently insufficient to determine the role of this variant in disease. Therefore, it has been classified as a Variant of Uncertain Significance.

Literature cited by the submitters: PubMed 17576681; PubMed 9536098.

NM_014780.5(CUL7):c.1234-3C>T

Gene: CUL7 (cullin 7; minus strand). Cytogenetic location: 6p21.1.
Variant type: single nucleotide variant.
Coding change: c.1234-3C>T on transcript NM_014780.5 (MANE Select); 3 bases into the intron before coding-DNA position 1234, C replaced by T.
Molecular consequence: intron variant.
Genome position (GRCh38, 1-based): chr6:43,050,401, G>A on the plus strand (C>T on the coding strand, the complement: CUL7 is on the minus strand). VCF-style: chr6-43050401-G-A. GRCh37 (hg19) VCF-style: chr6-43018139-G-A.
Other names: c.1330-3C>T (NM_001168370.2, NM_001374872.1); c.1234-3C>T (NM_001374874.1, NM_001374873.1).
Identifiers: ClinVar variation 1368761 (VCV001368761.6), dbSNP rs2150333316, ClinGen allele CA2573140801.